The following is an entry in ClinVar:

NM_015978.3(TNNI3K):c.333+3A>C

Genes: FPGT-TNNI3K (FPGT-TNNI3K readthrough; plus strand), TNNI3K (TNNI3 interacting kinase; plus strand). Cytogenetic location: 1p31.1.
Variant type: single nucleotide variant.
Coding change: c.333+3A>C on transcript NM_015978.3 (MANE Select); 3 bases into the intron after coding-DNA position 333, A replaced by C.
Molecular consequence: intron variant.
Genome position (GRCh38, 1-based): chr1:74,250,772, A>C. VCF-style: chr1-74250772-A-C. GRCh37 (hg19) VCF-style: chr1-74716456-A-C.
Other names: c.636+3A>C (NM_001112808.3, NM_001199327.2).
Identifiers: ClinVar variation 1490576 (VCV001490576.6), dbSNP rs2100847853, ClinGen allele CA2573132586.

ClinVar aggregate classification (germline): Uncertain significance (1 of 4 stars; one submission).

Allele frequency attached by ClinVar (database versions not stated): gnomAD exomes below 0.00001.
gnomAD v4.1: 2 of 1,605,068 alleles (0.00012%); highest among the groups gnomAD compares: Non-Finnish European, 0.00017%; no homozygotes.

Submission:

Labcorp Genetics (formerly Invitae), Labcorp
Classification: Uncertain significance. Last evaluated: 2021-11-23. Review status: criteria provided, single submitter. Criteria: Invitae Variant Classification Sherloc (09022015). Collection method: clinical testing. Allele origin: germline.
Comment: This variant has not been reported in the literature in individuals affected with TNNI3K-related conditions. In summary, the available evidence is currently insufficient to determine the role of this variant in disease. Therefore, it has been classified as a Variant of Uncertain Significance. Variants that disrupt the consensus splice site are a relatively common cause of aberrant splicing (PMID: 17576681, 9536098). Algorithms developed to predict the effect of sequence changes on RNA splicing suggest that this variant may disrupt the consensus splice site. This variant is not present in population databases (gnomAD no frequency). This sequence change falls in intron 4 of the TNNI3K gene. It does not directly change the encoded amino acid sequence of the TNNI3K protein. It affects a nucleotide within the consensus splice site.

Literature cited by the submitters: PubMed 17576681; PubMed 9536098.